The following is an entry in ClinVar:

ClinVar aggregate classification (germline): Uncertain significance. Review status: criteria provided, multiple submitters, no conflicts (2 of 4 stars). 2 submissions from 2 submitters: Uncertain significance (2). Last evaluated 2025-05-19.

Conditions:
Hereditary cancer-predisposing syndrome. Also called: Neoplastic Syndromes, Hereditary; Tumor predisposition; Hereditary Cancer Syndrome; Hereditary neoplastic syndrome. Identifiers: Orphanet 140162, MedGen C0027672, MeSH D009386, MONDO:0015356.

Allele frequency attached by ClinVar (database versions not stated): gnomAD exomes below 0.00001.
gnomAD v4.1: 1 of 1,614,020 alleles (0.000062%); highest among the groups gnomAD compares: Non-Finnish European, 0.000085%; no homozygotes.

Submissions (2):

Labcorp Genetics (formerly Invitae), Labcorp
Classification: Uncertain significance. Last evaluated: 2025-05-19. Review status: criteria provided, single submitter. Criteria: Invitae Variant Classification Sherloc (09022015). Collection method: clinical testing. Allele origin: germline.
Comment: This sequence change replaces valine, which is neutral and non-polar, with isoleucine, which is neutral and non-polar, at codon 279 of the FH protein (p.Val279Ile). This variant is not present in population databases (gnomAD no frequency). This variant has not been reported in the literature in individuals affected with FH-related conditions. ClinVar contains an entry for this variant (Variation ID: 1763082). Invitae Evidence Modeling of protein sequence and biophysical properties (such as structural, functional, and spatial information, amino acid conservation, physicochemical variation, residue mobility, and thermodynamic stability) indicates that this missense variant is expected to disrupt FH protein function with a positive predictive value of 95%. In summary, the available evidence is currently insufficient to determine the role of this variant in disease. Therefore, it has been classified as a Variant of Uncertain Significance.

Ambry Genetics
Classification: Uncertain significance for Hereditary cancer-predisposing syndrome. Last evaluated: 2022-10-12. Review status: criteria provided, single submitter. Criteria: Ambry Variant Classification Scheme 2023. Collection method: clinical testing. Allele origin: germline.
Comment: The p.V279I variant (also known as c.835G>A), located in coding exon 6 of the FH gene, results from a G to A substitution at nucleotide position 835. The valine at codon 279 is replaced by isoleucine, an amino acid with highly similar properties. This amino acid position is highly conserved in available vertebrate species. In addition, this alteration is predicted to be deleterious by in silico analysis. Since supporting evidence is limited at this time, the clinical significance of this alteration remains unclear.

NM_000143.4(FH):c.835G>A (p.Val279Ile)

Gene: FH (fumarate hydratase; minus strand). Cytogenetic location: 1q43.
Variant type: single nucleotide variant.
Coding change: c.835G>A on transcript NM_000143.4 (MANE Select); coding-DNA position 835, G replaced by A.
Protein change: p.Val279Ile; replaces valine 279 with isoleucine.
Molecular consequence: missense variant.
Genome position (GRCh38, 1-based): chr1:241,506,072, C>T on the plus strand (G>A on the coding strand, the complement: FH is on the minus strand). VCF-style: chr1-241506072-C-T. GRCh37 (hg19) VCF-style: chr1-241669372-C-T.
Other names: short protein forms V279I.
Identifiers: ClinVar variation 1763082 (VCV001763082.4), dbSNP rs2147917595, ClinGen allele CA345438928.